The following is an entry in ClinVar:

ClinVar aggregate classification (germline): Benign. Review status: criteria provided, multiple submitters, no conflicts (2 of 4 stars). 12 submissions from 12 submitters: Benign (8). 4 of the submissions do not count toward it. Last evaluated 2026-02-04.

Conditions:
Marfan syndrome (MFS). Also called: FBN1-Related Marfan Syndrome; MARFAN SYNDROME, TYPE I; Marfan syndrome, classic; Marfan syndrome type 1; Marfan's syndrome. Identifiers: Orphanet 284963, Orphanet 558, MedGen C0024796, MONDO:0007947, OMIM 154700.
Familial thoracic aortic aneurysm and aortic dissection (TAAD). Also called: Thoracic aortic aneurysms and dissections. Identifiers: Orphanet 91387, MedGen C4707243, MONDO:0019625.

Allele frequency attached by ClinVar (database versions not stated): ExAC 0.74038; ESP Exome Variant Server 0.67840; 1000 Genomes Project 30x 0.65162; 1000 Genomes Project 0.65595; TOPMed 0.67205; gnomAD 0.68277 and 0.67656; gnomAD exomes 0.74619 and 0.76245.
gnomAD v4.1: 1,217,171 of 1,613,274 alleles (75%); highest among the groups gnomAD compares: South Asian, 81%; 463,379 homozygotes.

Submissions (12):

Labcorp Genetics (formerly Invitae), Labcorp
Classification: Benign for Marfan syndrome; Familial thoracic aortic aneurysm and aortic dissection. Last evaluated: 2026-02-04. Review status: criteria provided, single submitter. Criteria: Invitae Variant Classification Sherloc (09022015). Collection method: clinical testing. Allele origin: germline.

ARUP Laboratories, Molecular Genetics and Genomics, ARUP Laboratories
Classification: Benign. Last evaluated: 2025-07-31. Review status: criteria provided, single submitter. Criteria: ARUP Molecular Germline Variant Investigation Process 2024. Collection method: clinical testing. Allele origin: germline.

Blueprint Genetics
Classification: Benign. Last evaluated: 2024-11-28. Review status: criteria provided, single submitter. Criteria: ACMG Guidelines, 2015. Collection method: clinical testing. Allele origin: germline.

Unidad de Genómica Garrahan, Hospital de Pediatría Garrahan
Classification: Benign. Last evaluated: 2024-01-24. Review status: criteria provided, single submitter. Criteria: ACMG Guidelines, 2015. Collection method: clinical testing. Allele origin: germline. Affected: no. Observed: 84 variant alleles.
Comment: This variant is classified as Benign based on local population frequency. This variant was detected in 95% of patients studied by a panel of primary immunodeficiencies. Number of patients: 84. Only high quality variants are reported.

Women's Health and Genetics/Laboratory Corporation of America, LabCorp
Classification: Benign. Last evaluated: 2018-02-14. Review status: criteria provided, single submitter. Criteria: LabCorp Variant Classification Summary - May 2015. Collection method: clinical testing. Allele origin: germline.
Comment: Variant summary: FBN1 c.6997+17C>G alters a non-conserved nucleotide located 17 nucleotides away from a canonical splice site. The variant allele was found at a frequency of 0.74 in 276312 control chromosomes, suggesting that it is the major allele and therefore benign. The observed variant frequency is approximately 6567 fold above the estimated maximal expected allele frequency for a pathogenic variant in FBN1 causing Marfan Syndrome phenotype (0.00011), strongly suggesting that the variant is benign. The c.6997+17C>G variant has been reported in the literature and these reports classify the variant as a benign polymorphism. To our knowledge, no experimental evidence demonstrating an impact on protein function has been reported. One clinical diagnostic laboratory has submitted clinical-significance assessments for this variant to ClinVar after 2014 without evidence for independent evaluation, and classified the variant as benign. Based on the evidence outlined above, the variant was classified as benign.

GeneDx
Classification: Benign. Last evaluated: 2012-11-02. Review status: criteria provided, single submitter. Criteria: GeneDx Variant Classification (06012015). Collection method: clinical testing. Allele origin: germline. Affected: yes.
Comment: This variant is considered likely benign or benign based on one or more of the following criteria: it is a conservative change, it occurs at a poorly conserved position in the protein, it is predicted to be benign by multiple in silico algorithms, and/or has population frequency not consistent with disease.

Breakthrough Genomics
Classification: Benign. Review status: criteria provided, single submitter. Criteria: ACMG Guidelines, 2015. Collection method: not provided. Allele origin: germline. Inheritance: Autosomal dominant inheritance. Affected: yes.

PreventionGenetics, part of Exact Sciences
Classification: Benign. Review status: criteria provided, single submitter. Criteria: ACMG Guidelines, 2015. Collection method: clinical testing. Allele origin: germline.

Cohesion Phenomics
Classification: Benign for Marfan syndrome. Last evaluated: 2022-09-23. Review status: no assertion criteria provided. Criteria: ACMG Guidelines, 2015. Collection method: clinical testing. Allele origin: germline. Affected: yes. Not counted in ClinVar's aggregate classification.

Clinical Genetics DNA and cytogenetics Diagnostics Lab, Erasmus MC, Erasmus Medical Center
Classification: Benign. Review status: no assertion criteria provided. Collection method: clinical testing. Allele origin: germline. Affected: yes. Study: VKGL Data-share Consensus. Not counted in ClinVar's aggregate classification.

Diagnostic Laboratory, Department of Genetics, University Medical Center Groningen
Classification: Benign. Review status: no assertion criteria provided. Collection method: clinical testing. Allele origin: germline. Affected: yes. Study: VKGL Data-share Consensus. Not counted in ClinVar's aggregate classification.

Genome Diagnostics Laboratory, Amsterdam University Medical Center
Classification: Benign. Review status: no assertion criteria provided. Collection method: clinical testing. Allele origin: germline. Affected: yes. Study: VKGL Data-share Consensus. Not counted in ClinVar's aggregate classification.

Literature cited by the submitters: PubMed 11826022 (cited by Women's Health and Genetics/Laboratory Corporation of America, LabCorp); PubMed 12402346 (cited by Women's Health and Genetics/Laboratory Corporation of America, LabCorp); PubMed 11748851 (cited by Women's Health and Genetics/Laboratory Corporation of America, LabCorp); PubMed 18379569 (cited by Women's Health and Genetics/Laboratory Corporation of America, LabCorp); PubMed 19839986 (cited by Women's Health and Genetics/Laboratory Corporation of America, LabCorp); PubMed 7611299 (cited by Women's Health and Genetics/Laboratory Corporation of America, LabCorp); PubMed 19328768 (cited by Women's Health and Genetics/Laboratory Corporation of America, LabCorp); PubMed 10874320 (cited by Women's Health and Genetics/Laboratory Corporation of America, LabCorp); PubMed 9401003 (cited by Women's Health and Genetics/Laboratory Corporation of America, LabCorp); PubMed 12161601 (cited by Women's Health and Genetics/Laboratory Corporation of America, LabCorp); PubMed 11933199 (cited by Women's Health and Genetics/Laboratory Corporation of America, LabCorp); PubMed 10647894 (cited by Women's Health and Genetics/Laboratory Corporation of America, LabCorp); PubMed 16220557 (cited by Women's Health and Genetics/Laboratory Corporation of America, LabCorp); PubMed 16222657 (cited by Women's Health and Genetics/Laboratory Corporation of America, LabCorp).

NM_000138.5(FBN1):c.6997+17C>G

Gene: FBN1 (fibrillin 1; minus strand). Cytogenetic location: 15q21.1.
Variant type: single nucleotide variant.
Coding change: c.6997+17C>G on transcript NM_000138.5 (MANE Select); 17 bases into the intron after coding-DNA position 6997, C replaced by G.
Molecular consequence: intron variant.
Genome position (GRCh38, 1-based): chr15:48,428,329, G>C on the plus strand (C>G on the coding strand, the complement: FBN1 is on the minus strand). VCF-style: chr15-48428329-G-C. GRCh37 (hg19) VCF-style: chr15-48720526-G-C.
Identifiers: ClinVar variation 137312 (VCV000137312.39), dbSNP rs363832, ClinGen allele CA016895.